The following is an entry in ClinVar:

ClinVar aggregate classification (germline): Uncertain significance. Review status: criteria provided, multiple submitters, no conflicts (2 of 4 stars). 3 submissions from 3 submitters: Uncertain significance (3). Last evaluated 2025-12-03.

Conditions:
Inborn genetic diseases. Identifiers: MedGen C0950123, MeSH D030342.
Autosomal dominant nocturnal frontal lobe epilepsy 3. Also called: CHRNB2-Related Nocturnal Frontal Lobe Epilepsy, Autosomal Dominant. Identifiers: Orphanet 98784, MedGen C1854335, MONDO:0011545, OMIM 605375.
Familial sleep-related hypermotor epilepsy. Also called: Autosomal Dominant Sleep-Related Hypermotor (Hyperkinetic) Epilepsy. Identifiers: Orphanet 98784, MedGen C3696898, MONDO:0000030.

Allele frequency attached by ClinVar (database versions not stated): TOPMed 0.00002; 1000 Genomes Project 30x 0.00016.
gnomAD v4.1: 18 of 1,535,554 alleles (0.0012%); highest among the groups gnomAD compares: East Asian, 0.015%; no homozygotes.

Submissions (3):

Labcorp Genetics (formerly Invitae), Labcorp
Classification: Uncertain significance. Last evaluated: 2025-12-03. Review status: criteria provided, single submitter. Criteria: Invitae Variant Classification Sherloc (09022015). Collection method: clinical testing. Allele origin: germline.
Comment: This sequence change replaces asparagine, which is neutral and polar, with lysine, which is basic and polar, at codon 392 of the CHRNB2 protein (p.Asn392Lys). The frequency data for this variant in the population databases is considered unreliable, as metrics indicate poor data quality at this position in the gnomAD database. This variant has not been reported in the literature in individuals affected with CHRNB2-related conditions. ClinVar contains an entry for this variant (Variation ID: 948517). Invitae Evidence Modeling of protein sequence and biophysical properties (such as structural, functional, and spatial information, amino acid conservation, physicochemical variation, residue mobility, and thermodynamic stability) indicates that this missense variant is not expected to disrupt CHRNB2 protein function with a negative predictive value of 95%. In summary, the available evidence is currently insufficient to determine the role of this variant in disease. Therefore, it has been classified as a Variant of Uncertain Significance.

Ambry Genetics
Classification: Uncertain significance for Inborn genetic diseases. Last evaluated: 2025-05-19. Review status: criteria provided, single submitter. Criteria: Ambry Variant Classification Scheme 2023. Collection method: clinical testing. Allele origin: germline.

Revvity Omics, Revvity
Classification: Uncertain significance for Autosomal dominant nocturnal frontal lobe epilepsy 3. Last evaluated: 2020-12-15. Review status: criteria provided, single submitter. Criteria: ACMG Guidelines, 2015. Collection method: clinical testing. Allele origin: germline.

NM_000748.3(CHRNB2):c.1176C>A (p.Asn392Lys)

Gene: CHRNB2 (cholinergic receptor nicotinic beta 2 subunit; plus strand). Cytogenetic location: 1q21.3.
Variant type: single nucleotide variant.
Coding change: c.1176C>A on transcript NM_000748.3 (MANE Select); coding-DNA position 1176, C replaced by A.
Protein change: p.Asn392Lys; replaces asparagine 392 with lysine.
Molecular consequence: missense variant.
Genome position (GRCh38, 1-based): chr1:154,571,999, C>A. VCF-style: chr1-154571999-C-A. GRCh37 (hg19) VCF-style: chr1-154544475-C-A.
Other names: short protein forms N392K.
Identifiers: ClinVar variation 948517 (VCV000948517.13), dbSNP rs560427247, ClinGen allele CA30835056.
Genomic context (GRCh38, chr1:154,571,999, plus strand): 5'-CGCTGGAGCCCTCTTCTTCCGCGAAGCCCCAGGGGCCGACTCCTGCACGTGCTTCGTCAA[C>A]CGCGCGTCGGTGCAGGGGTTGGCCGGGGCCTTCGGGGCTGAGCCTGCACCAGTGGCGGGC-3'
Protein context (NP_000739.1, residues 382-402): PGADSCTCFV[Asn392Lys]RASVQGLAGA